The following is an entry in ClinVar:

NM_005732.4(RAD50):c.2960T>A (p.Leu987Gln)

Gene: RAD50 (RAD50 double strand break repair protein; plus strand). Cytogenetic location: 5q31.1.
Variant type: single nucleotide variant.
Coding change: c.2960T>A on transcript NM_005732.4 (MANE Select); coding-DNA position 2960, T replaced by A.
Protein change: p.Leu987Gln; replaces leucine 987 with glutamine.
Molecular consequence: missense variant.
Genome position (GRCh38, 1-based): chr5:132,609,320, T>A. VCF-style: chr5-132609320-T-A. GRCh37 (hg19) VCF-style: chr5-131945012-T-A.
Other names: short protein forms L987Q.
Identifiers: ClinVar variation 649122 (VCV000649122.12), dbSNP rs1581004889, ClinGen allele CA360960458.
Genomic context (GRCh38, chr5:132,609,320, plus strand): 5'-TTAAAGAATTTTCTTTTTTGTAGCAAAAAGAAACTGAACTTAATAAAGTAATAGCTCAAC[T>A]AAGTGAATGCGAGAAACACAAAGAAAAGATAAATGAAGATATGAGACTCATGAGACAAGA-3'
Protein context (NP_005723.2, residues 977-997): ETELNKVIAQ[Leu987Gln]SECEKHKEKI

ClinVar aggregate classification (germline): Uncertain significance. Review status: criteria provided, multiple submitters, no conflicts (2 of 4 stars). 2 submissions from 2 submitters: Uncertain significance (2). Last evaluated 2026-02-24.

Conditions:
Hereditary cancer-predisposing syndrome. Also called: Neoplastic Syndromes, Hereditary; Hereditary neoplastic syndrome; Tumor predisposition; Hereditary Cancer Syndrome. Identifiers: Orphanet 140162, MedGen C0027672, MeSH D009386, MONDO:0015356.

Submissions (2):

Ambry Genetics
Classification: Uncertain significance for Hereditary cancer-predisposing syndrome. Last evaluated: 2026-02-24. Review status: criteria provided, single submitter. Criteria: Ambry Variant Classification Scheme 2023. Collection method: clinical testing. Allele origin: germline.
Comment: The p.L987Q variant (also known as c.2960T>A), located in coding exon 19 of the RAD50 gene, results from a T to A substitution at nucleotide position 2960. The leucine at codon 987 is replaced by glutamine, an amino acid with dissimilar properties. This amino acid position is conserved. In addition, the in silico prediction for this alteration is inconclusive. Based on the available evidence, the clinical significance of this variant remains unclear.

Labcorp Genetics (formerly Invitae), Labcorp
Classification: Uncertain significance for Hereditary cancer-predisposing syndrome. Last evaluated: 2019-04-24. Review status: criteria provided, single submitter. Criteria: Invitae Variant Classification Sherloc (09022015). Collection method: clinical testing. Allele origin: germline.
Comment: Algorithms developed to predict the effect of missense changes on protein structure and function are either unavailable or do not agree on the potential impact of this missense change (SIFT: "Deleterious"; PolyPhen-2: "Benign"; Align-GVGD: "Class C0"). In summary, the available evidence is currently insufficient to determine the role of this variant in disease. Therefore, it has been classified as a Variant of Uncertain Significance. This variant has not been reported in the literature in individuals with RAD50-related conditions. This variant is not present in population databases (ExAC no frequency). This sequence change replaces leucine with glutamine at codon 987 of the RAD50 protein (p.Leu987Gln). The leucine residue is moderately conserved and there is a moderate physicochemical difference between leucine and glutamine.